The following is an entry in ClinVar:

ClinVar aggregate classification (germline): Likely pathogenic (1 of 4 stars; one submission).

Allele frequency attached by ClinVar (database versions not stated): gnomAD exomes below 0.00001.
gnomAD v4.1: 1 of 1,614,136 alleles (0.000062%); highest among the groups gnomAD compares: South Asian, 0.0011%; no homozygotes.

Submission:

GeneDx
Classification: Likely pathogenic. Last evaluated: 2026-10-08. Review status: criteria provided, single submitter. Criteria: GeneDx Variant Classification Process June 2021. Collection method: clinical testing. Allele origin: germline.
Comment: Not observed at significant frequency in large population cohorts (gnomAD); In silico analysis supports that this missense variant has a deleterious effect on protein structure/function; Has not been previously published as pathogenic or benign to our knowledge

NM_152564.5(VPS13B):c.5360G>T (p.Ser1787Ile)

Gene: VPS13B (vacuolar protein sorting 13 homolog B; plus strand). Cytogenetic location: 8q22.2.
Variant type: single nucleotide variant.
Coding change: c.5360G>T on transcript NM_152564.5 (MANE Select); coding-DNA position 5360, G replaced by T.
Protein change: p.Ser1787Ile; replaces serine 1787 with isoleucine.
Molecular consequence: missense variant.
Genome position (GRCh38, 1-based): chr8:99,641,950, G>T. VCF-style: chr8-99641950-G-T. GRCh37 (hg19) VCF-style: chr8-100654178-G-T.
Other names: c.5435G>T, p.Ser1812Ile (NM_017890.5); short protein forms S1787I, S1812I.
Identifiers: ClinVar variation 427100 (VCV000427100.4), dbSNP rs1085307957, ClinGen allele CA371872385.
Genomic context (GRCh38, chr8:99,641,950, plus strand): 5'-AGGATAGTGGAATTGGCAGTGACAGTGTTAAAATCAGAATAGTGCAAATAGAGCAGCACA[G>T]TGGTGCCAGTCAGCATCGCATTGCCCGTCCCTCACGCCAGTCATCAATTGTAAAAAATCT-3'
Protein context (NP_689777.3, residues 1777-1797): KIRIVQIEQH[Ser1787Ile]GASQHRIARP